The following is an entry in ClinVar:

ClinVar aggregate classification (germline): Pathogenic (1 of 4 stars; one submission).

Conditions:
Symmetrical dyschromatosis of extremities (DSH). Also called: RETICULATE ACROPIGMENTATION OF DOHI; SYMMETRIC DYSCHROMATOSIS OF THE EXTREMITIES; DYSCHROMATOSIS SYMMETRICA HEREDITARIA 1; Dyschromatosis symmetrica hereditaria. Identifiers: Orphanet 41, MedGen C0406775, MONDO:0007483, OMIM 127400.
Aicardi-Goutieres syndrome 6 (AGS6). Identifiers: Orphanet 51, MedGen C3539013, MONDO:0014007, OMIM 615010.

Submission:

Labcorp Genetics (formerly Invitae), Labcorp
Classification: Pathogenic for Aicardi-Goutieres syndrome 6; Symmetrical dyschromatosis of extremities. Last evaluated: 2024-06-24. Review status: criteria provided, single submitter. Criteria: Invitae Variant Classification Sherloc (09022015). Collection method: clinical testing. Allele origin: germline.
Comment: This sequence change creates a premature translational stop signal (p.Ser862Profs*13) in the ADAR gene. It is expected to result in an absent or disrupted protein product. Loss-of-function variants in ADAR are known to be pathogenic (PMID: 22974014). This variant is not present in population databases (gnomAD no frequency). This variant has not been reported in the literature in individuals affected with ADAR-related conditions. ClinVar contains an entry for this variant (Variation ID: 2019241). For these reasons, this variant has been classified as Pathogenic.

Literature cited by the submitters: PubMed 22974014.

NM_001111.5(ADAR):c.2583del (p.Ser862fs)

Genes: ADAR (adenosine deaminase RNA specific; minus strand), LOC126805874 (CDK7 strongly-dependent group 2 enhancer GRCh37_chr1:154561176-154562375; plus strand). Cytogenetic location: 1q21.3.
Variant type: Deletion.
Coding change: c.2583del on transcript NM_001111.5 (MANE Select); coding-DNA position 2583, one base deleted (C; older notation c.2583delC).
Protein change: p.Ser862fs; shifts the reading frame from serine 862.
Molecular consequence: frameshift variant.
Genome position (GRCh38, 1-based): chr1:154,589,842, G deleted on the plus strand (C on the coding strand, the reverse complement: ADAR is on the minus strand); the first of 3 consecutive G bases (chr1:154,589,842-154,589,844); deleting any one gives the same sequence. VCF-style (leftmost placement, unchanged base first): chr1-154589841-AG-A. GRCh37 (hg19) VCF-style: chr1-154562317-AG-A.
Other names: c.1698del, p.Ser567fs (NM_001025107.3, NM_001193495.2, NM_001365046.1 and 2 more transcripts); c.2610del, p.Ser871fs (NM_001365045.1); c.1620del, p.Ser541fs (NM_001365049.1); c.2505del, p.Ser836fs (NM_015840.4); c.2448del, p.Ser817fs (NM_015841.4); short protein forms S836fs, S862fs, S541fs, S567fs, S817fs, S871fs.
Identifiers: ClinVar variation 2019241 (VCV002019241.4), dbSNP rs2526514076, ClinGen allele CA2580061110.